The following is an entry in ClinVar:

NM_000059.4(BRCA2):c.3155C>T (p.Ala1052Val)

Gene: BRCA2 (BRCA2 DNA repair associated; plus strand). Cytogenetic location: 13q13.1.
Variant type: single nucleotide variant.
Coding change: c.3155C>T on transcript NM_000059.4 (MANE Select); coding-DNA position 3155, C replaced by T.
Protein change: p.Ala1052Val; replaces alanine 1052 with valine.
Molecular consequence: missense variant.
Genome position (GRCh38, 1-based): chr13:32,337,510, C>T. VCF-style: chr13-32337510-C-T. GRCh37 (hg19) VCF-style: chr13-32911647-C-T.
Other names: short protein forms A1052V.
Identifiers: ClinVar variation 409528 (VCV000409528.15), dbSNP rs1060502453, ClinGen allele CA16613944.

ClinVar aggregate classification (germline): Conflicting classifications of pathogenicity. Review status: criteria provided, conflicting classifications (1 of 4 stars). 5 submissions from 5 submitters: Uncertain significance (3); Likely benign (2). Last evaluated 2025-05-20.

Conditions:
Hereditary breast ovarian cancer syndrome. Also called: Hereditary breast and ovarian cancer; Hereditary breast and/or ovarian cancer syndrome; BRCA1- and BRCA2-Associated Hereditary Breast and Ovarian Cancer; Hereditary breast and ovarian cancer syndrome; Hereditary breast and ovarian cancer syndrome (HBOC); Breast and ovarian cancer. Identifiers: Orphanet 145, MedGen C0677776, MeSH D061325, MONDO:0003582. Disease mechanism: loss of function.
Hereditary cancer-predisposing syndrome. Also called: Tumor predisposition; Hereditary Cancer Syndrome; Hereditary neoplastic syndrome; Neoplastic Syndromes, Hereditary. Identifiers: Orphanet 140162, MedGen C0027672, MeSH D009386, MONDO:0015356.

Allele frequency attached by ClinVar (database versions not stated): gnomAD exomes below 0.00001.
gnomAD v4.1: 4 of 1,607,724 alleles (0.00025%); highest among the groups gnomAD compares: Non-Finnish European, 0.00034%; no homozygotes.

Submissions (5):

Color Diagnostics, LLC DBA Color Health
Classification: Uncertain significance for Hereditary cancer-predisposing syndrome. Last evaluated: 2025-05-20. Review status: criteria provided, single submitter. Criteria: ACMG Guidelines, 2015. Collection method: clinical testing. Allele origin: germline.
Comment: This missense variant replaces alanine with valine at codon 1052 of the BRCA2 protein. Computational prediction suggests that this variant may not impact protein structure and function. To our knowledge, functional studies have not been reported for this variant. This variant has been reported in a family affected with cancer (PMID: 34326862) and it also has been detected in a breast cancer case-control meta-analysis in 0/60466 cases and 1/53461 unaffected individuals (PMID: 33471991Leiden Open Variation Database DB-ID BRCA2_008040). This variant has not been identified in the general population by the Genome Aggregation Database (gnomAD). The available evidence is insufficient to determine the role of this variant in disease conclusively. Therefore, this variant is classified as a Variant of Uncertain Significance.

Ambry Genetics
Classification: Likely benign for Hereditary cancer-predisposing syndrome. Last evaluated: 2024-09-13. Review status: criteria provided, single submitter. Criteria: Ambry Variant Classification Scheme 2023. Collection method: clinical testing. Allele origin: germline.

Labcorp Genetics (formerly Invitae), Labcorp
Classification: Uncertain significance for Hereditary breast ovarian cancer syndrome. Last evaluated: 2024-02-09. Review status: criteria provided, single submitter. Criteria: Invitae Variant Classification Sherloc (09022015). Collection method: clinical testing. Allele origin: germline.
Comment: This sequence change replaces alanine, which is neutral and non-polar, with valine, which is neutral and non-polar, at codon 1052 of the BRCA2 protein (p.Ala1052Val). This variant is not present in population databases (gnomAD no frequency). This missense change has been observed in individual(s) with breast cancer (PMID: 34326862). ClinVar contains an entry for this variant (Variation ID: 409528). Advanced modeling of protein sequence and biophysical properties (such as structural, functional, and spatial information, amino acid conservation, physicochemical variation, residue mobility, and thermodynamic stability) performed at Invitae indicates that this missense variant is not expected to disrupt BRCA2 protein function with a negative predictive value of 95%. In summary, the available evidence is currently insufficient to determine the role of this variant in disease. Therefore, it has been classified as a Variant of Uncertain Significance.

University of Washington Department of Laboratory Medicine, University of Washington
Classification: Likely benign for Hereditary cancer-predisposing syndrome. Last evaluated: 2023-03-23. Review status: criteria provided, single submitter. Criteria: Dines et al. (Genet Med. 2020). Collection method: curation. Allele origin: germline.
Comment: Missense variant in a coldspot region where missense variants are very unlikely to be pathogenic (PMID:31911673).

BRCA2 exon 11 coldspot. Reclassification based on statistical prior probability.

GeneDx
Classification: Uncertain significance. Last evaluated: 2015-08-06. Review status: criteria provided, single submitter. Criteria: GeneDx Variant Classification (06012015). Collection method: clinical testing. Allele origin: germline. Affected: yes.
Comment: This variant is denoted BRCA2 c.3155C>T at the cDNA level, p.Ala1052Val (A1052V) at the protein level, and results in the change of an Alanine to a Valine (GCA>GTA). Using alternate nomenclature, this variant would be defined as BRCA2 3383C>T. This variant has not, to our knowledge, been published in the literature as pathogenic or benign. BRCA2 Ala1052Val was not observed in approximately 6,500 individuals of European and African American ancestry in the NHLBI Exome Sequencing Project, indicating it is not a common benign variant in these populations. Since Alanine and Valine share similar properties, this is considered a conservative amino acid substitution. BRCA2 Ala1052Val occurs at a position that is not conserved and is not located in a known functional domain (Roy 2012). In silico analyses predict that this variant is unlikely to alter protein structure or function. Based on currently available information, it is unclear whether BRCA2 Ala1052Val is pathogenic or benign. We consider it to be a variant of uncertain significance.

Literature cited by the submitters: PubMed 33471991 (cited by Color Diagnostics, LLC DBA Color Health and Ambry Genetics); PubMed 34326862 (cited by Color Diagnostics, LLC DBA Color Health and Labcorp Genetics (formerly Invitae), Labcorp).